The following is an entry in ClinVar:

ClinVar aggregate classification (germline): Likely pathogenic. Review status: criteria provided, multiple submitters, no conflicts (2 of 4 stars). 2 submissions from 2 submitters: Likely pathogenic (2). Last evaluated 2025-08-08.

Conditions:
Early-infantile DEE. Also called: Ohtahara syndrome; Early infantile epileptic encephalopathy with suppression bursts; Early infantile epileptic encephalopathy. Identifiers: Orphanet 1934, MedGen C0393706, MONDO:0800491.

Submissions (2):

Labcorp Genetics (formerly Invitae), Labcorp
Classification: Likely pathogenic for Early-infantile DEE. Last evaluated: 2025-08-08. Review status: criteria provided, single submitter. Criteria: Invitae Variant Classification Sherloc (09022015). Collection method: clinical testing. Allele origin: germline.
Comment: This sequence change replaces leucine, which is neutral and non-polar, with glutamine, which is neutral and polar, at codon 378 of the SCN1A protein (p.Leu378Gln). This variant is not present in population databases (gnomAD no frequency). This missense change has been observed in individual(s) with Dravet syndrome (PMID: 18930999, 35074891). ClinVar contains an entry for this variant (Variation ID: 1510730). Invitae Evidence Modeling of protein sequence and biophysical properties (such as structural, functional, and spatial information, amino acid conservation, physicochemical variation, residue mobility, and thermodynamic stability) indicates that this missense variant is expected to disrupt SCN1A protein function with a positive predictive value of 95%. In summary, the currently available evidence indicates that the variant is pathogenic, but additional data are needed to prove that conclusively. Therefore, this variant has been classified as Likely Pathogenic.

CeGaT Center for Human Genetics Tuebingen
Classification: Likely pathogenic. Last evaluated: 2022-10-01. Review status: criteria provided, single submitter. Criteria: CeGaT Center For Human Genetics Tuebingen Variant Classification Criteria Version 2. Collection method: clinical testing. Allele origin: germline. Affected: yes. Observed: 1 variant allele.
Comment: SCN1A: PM1, PM2, PP2, PP3, PS4:Supporting

Literature cited by the submitters: PubMed 18930999 (cited by Labcorp Genetics (formerly Invitae), Labcorp); PubMed 35074891 (cited by Labcorp Genetics (formerly Invitae), Labcorp).

NM_001165963.4(SCN1A):c.1133T>A (p.Leu378Gln)

Gene: SCN1A (sodium voltage-gated channel alpha subunit 1; minus strand). Cytogenetic location: 2q24.3.
Variant type: single nucleotide variant.
Coding change: c.1133T>A on transcript NM_001165963.4 (MANE Select); coding-DNA position 1133, T replaced by A.
Protein change: p.Leu378Gln; replaces leucine 378 with glutamine.
Molecular consequence: missense variant. On other transcripts: 5 prime UTR variant (1), non-coding transcript variant (1).
Genome position (GRCh38, 1-based): chr2:166,047,664, A>T on the plus strand (T>A on the coding strand, the complement: SCN1A is on the minus strand). VCF-style: chr2-166047664-A-T. GRCh37 (hg19) VCF-style: chr2-166904174-A-T.
Other names: c.1133T>A, p.Leu378Gln (NM_001165964.3, NM_001202435.3, NM_001353948.2 and 10 more transcripts); c.-1293T>A (NM_001353961.2); short protein forms L378Q.
Identifiers: ClinVar variation 1510730 (VCV001510730.37), dbSNP rs1698003832, ClinGen allele CA349071149.